The following is an entry in ClinVar:

NM_000642.3(AGL):c.3805G>A (p.Ala1269Thr)

Gene: AGL (amylo-alpha-1,6-glucosidase and 4-alpha-glucanotransferase; plus strand). Cytogenetic location: 1p21.2.
Variant type: single nucleotide variant.
Coding change: c.3805G>A on transcript NM_000642.3 (MANE Select); coding-DNA position 3805, G replaced by A.
Protein change: p.Ala1269Thr; replaces alanine 1269 with threonine.
Molecular consequence: missense variant.
Genome position (GRCh38, 1-based): chr1:99,910,816, G>A. VCF-style: chr1-99910816-G-A. GRCh37 (hg19) VCF-style: chr1-100376372-G-A.
Other names: c.3805G>A, p.Ala1269Thr (NM_000028.3, NM_000643.3, NM_000644.3 and 1 more transcripts); c.3466G>A, p.Ala1156Thr (NM_001425329.1); c.3427G>A, p.Ala1143Thr (NM_001425332.1); c.3604G>A, p.Ala1202Thr (NM_001425327.1); c.3601G>A, p.Ala1201Thr (NM_001425328.1); c.3757G>A, p.Ala1253Thr (NM_000646.3); c.3784G>A, p.Ala1262Thr (NM_001425326.1); c.3805G>A (NM_000642.2); short protein forms A1269T, A1253T, A1143T, A1156T, A1201T, A1202T, A1262T.
Identifiers: ClinVar variation 2124867 (VCV002124867.2), dbSNP rs2523798995, ClinGen allele CA341337975.

ClinVar aggregate classification (germline): Uncertain significance. Review status: criteria provided, single submitter (1 of 4 stars). 2 submissions from 2 submitters: Uncertain significance (1). 1 of the submissions does not count toward it. Last evaluated 2022-04-11.

Conditions:
Glycogen storage disease type III (GSD3). Also called: Cori disease; FORBES DISEASE. Identifiers: Orphanet 366, MedGen C0017922, MONDO:0009291, OMIM 232400.

Submissions (2):

Labcorp Genetics (formerly Invitae), Labcorp
Classification: Uncertain significance for Glycogen storage disease type III. Last evaluated: 2022-04-11. Review status: criteria provided, single submitter. Criteria: Invitae Variant Classification Sherloc (09022015). Collection method: clinical testing. Allele origin: germline.
Comment: This sequence change replaces alanine, which is neutral and non-polar, with threonine, which is neutral and polar, at codon 1269 of the AGL protein (p.Ala1269Thr). This variant is not present in population databases (gnomAD no frequency). This variant has not been reported in the literature in individuals affected with AGL-related conditions. Algorithms developed to predict the effect of missense changes on protein structure and function (SIFT, PolyPhen-2, Align-GVGD) all suggest that this variant is likely to be disruptive. In summary, the available evidence is currently insufficient to determine the role of this variant in disease. Therefore, it has been classified as a Variant of Uncertain Significance.

Natera, Inc.
Classification: Uncertain significance for Glycogen storage disease type III. Last evaluated: 2025-03-11. Review status: no assertion criteria provided. Collection method: clinical testing. Allele origin: germline. Not counted in ClinVar's aggregate classification.